The following is an entry in ClinVar:

ClinVar aggregate classification (germline): Uncertain significance (1 of 4 stars; one submission).

Conditions:
Hereditary cancer-predisposing syndrome. Also called: Neoplastic Syndromes, Hereditary; Hereditary Cancer Syndrome; Hereditary neoplastic syndrome; Tumor predisposition. Identifiers: Orphanet 140162, MedGen C0027672, MeSH D009386, MONDO:0015356.

Submission:

Ambry Genetics
Classification: Uncertain significance for Hereditary cancer-predisposing syndrome. Last evaluated: 2026-02-09. Review status: criteria provided, single submitter. Criteria: Ambry Variant Classification Scheme 2023. Collection method: clinical testing. Allele origin: germline.
Comment: The p.D605G variant (also known as c.1814A>G), located in coding exon 14 of the SDHA gene, results from an A to G substitution at nucleotide position 1814. The aspartic acid at codon 605 is replaced by glycine, an amino acid with similar properties. This amino acid position is conserved. In addition, this alteration is predicted to be deleterious by in silico analysis. Based on the available evidence, the clinical significance of this variant remains unclear.

NM_004168.4(SDHA):c.1814A>G (p.Asp605Gly)

Gene: SDHA (succinate dehydrogenase complex flavoprotein subunit A; plus strand). Cytogenetic location: 5p15.33.
Variant type: single nucleotide variant.
Coding change: c.1814A>G on transcript NM_004168.4 (MANE Select); coding-DNA position 1814, A replaced by G.
Protein change: p.Asp605Gly; replaces aspartic acid 605 with glycine.
Molecular consequence: missense variant.
Genome position (GRCh38, 1-based): chr5:254,412, A>G. VCF-style: chr5-254412-A-G. GRCh37 (hg19) VCF-style: chr5-254527-A-G.
Other names: c.1670A>G, p.Asp557Gly (NM_001294332.2); c.1571A>G, p.Asp524Gly (NM_001330758.2); short protein forms D524G, D557G, D605G.
Identifiers: ClinVar variation 3438657 (VCV003438657.2).